The following is an entry in ClinVar:

ClinVar aggregate classification (germline): Benign (1 of 4 stars; one submission).

Allele frequency attached by ClinVar (database versions not stated): gnomAD exomes 0.02275; gnomAD 0.13550 and 0.14357; TOPMed 0.15540; 1000 Genomes Project 0.16074; 1000 Genomes Project 30x 0.16615.
gnomAD v4.1: 38,492 of 910,528 alleles (4.2%); highest among the groups gnomAD compares: African/African-American, 43%; 6,088 homozygotes.

Submission:

GeneDx
Classification: Benign. Last evaluated: 2018-06-14. Review status: criteria provided, single submitter. Criteria: GeneDx Variant Classification (06012015). Collection method: clinical testing. Allele origin: germline. Affected: yes.
Comment: This variant is considered likely benign or benign based on one or more of the following criteria: it is a conservative change, it occurs at a poorly conserved position in the protein, it is predicted to be benign by multiple in silico algorithms, and/or has population frequency not consistent with disease.

NM_000141.5(FGFR2):c.624+140T>C

Gene: FGFR2 (fibroblast growth factor receptor 2; minus strand). Cytogenetic location: 10q26.13.
Variant type: single nucleotide variant.
Coding change: c.624+140T>C on transcript NM_000141.5 (MANE Select); 140 bases into the intron after coding-DNA position 624, T replaced by C.
Molecular consequence: intron variant.
Genome position (GRCh38, 1-based): chr10:121,551,150, A>G on the plus strand (T>C on the coding strand, the complement: FGFR2 is on the minus strand). VCF-style: chr10-121551150-A-G. GRCh37 (hg19) VCF-style: chr10-123310664-A-G.
Other names: c.624+140T>C (NM_001144914.1, NM_001144917.2, NM_001320658.2 and 3 more transcripts); c.279+140T>C (NM_001144918.2, NM_001441091.1, NM_001441090.1 and 1 more transcripts); c.357+140T>C (NM_001441089.1, NM_023029.3, NM_001441088.1 and 2 more transcripts).
Identifiers: ClinVar variation 670711 (VCV000670711.1), dbSNP rs3135746, ClinGen allele CA13283156.